The following is an entry in ClinVar:

ClinVar aggregate classification (germline): Pathogenic (1 of 4 stars; one submission).

Conditions:
Hereditary cancer-predisposing syndrome. Also called: Neoplastic Syndromes, Hereditary; Tumor predisposition; Hereditary neoplastic syndrome; Hereditary Cancer Syndrome. Identifiers: Orphanet 140162, MedGen C0027672, MeSH D009386, MONDO:0015356.

Submission:

Ambry Genetics
Classification: Pathogenic for Hereditary cancer-predisposing syndrome. Last evaluated: 2023-02-27. Review status: criteria provided, single submitter. Criteria: Ambry Variant Classification Scheme 2023. Collection method: clinical testing. Allele origin: germline.
Comment: The c.1679delA pathogenic mutation, located in coding exon 11 of the BRIP1 gene, results from a deletion of one nucleotide at nucleotide position 1679, causing a translational frameshift with a predicted alternate stop codon (p.N560Ifs*30). This alteration is expected to result in loss of function by premature protein truncation or nonsense-mediated mRNA decay. As such, this alteration is interpreted as a disease-causing mutation.

NM_032043.3(BRIP1):c.1679del (p.Asn560fs)

Gene: BRIP1 (BRCA1 interacting DNA helicase 1; minus strand). Cytogenetic location: 17q23.2.
Variant type: Deletion.
Coding change: c.1679del on transcript NM_032043.3 (MANE Select); coding-DNA position 1679, one base deleted (A; older notation c.1679delA).
Protein change: p.Asn560fs; shifts the reading frame from asparagine 560.
Molecular consequence: frameshift variant.
Genome position (GRCh38, 1-based): chr17:61,780,955, T deleted on the plus strand (A on the coding strand, the reverse complement: BRIP1 is on the minus strand); the first of 3 consecutive T bases (chr17:61,780,955-61,780,957); deleting any one gives the same sequence. VCF-style (leftmost placement, unchanged base first): chr17-61780954-AT-A. GRCh37 (hg19) VCF-style: chr17-59858315-AT-A.
Other names: c.1679delA (NM_032043.2); short protein forms N560fs.
Identifiers: ClinVar variation 2449939 (VCV002449939.2), dbSNP rs2545030351, ClinGen allele CA2580094525.